The following is an entry in ClinVar:

NM_000548.5(TSC2):c.482-20T>A

Gene: TSC2 (TSC complex subunit 2; plus strand). Cytogenetic location: 16p13.3.
Variant type: single nucleotide variant.
Coding change: c.482-20T>A on transcript NM_000548.5 (MANE Select); 20 bases into the intron before coding-DNA position 482, T replaced by A.
Molecular consequence: intron variant.
Genome position (GRCh38, 1-based): chr16:2,055,382, T>A. VCF-style: chr16-2055382-T-A. GRCh37 (hg19) VCF-style: chr16-2105383-T-A.
Other names: c.482-20T>A (NM_000548.4, NM_001114382.3, NM_021055.3 and 4 more transcripts); c.371-20T>A (NM_001318827.2); c.-1-814T>A (NM_001318831.2); c.335-20T>A (NM_001318829.2); c.515-20T>A (NM_001318832.2).
Identifiers: ClinVar variation 516773 (VCV000516773.21), dbSNP rs548831116, ClinGen allele CA052584.

ClinVar aggregate classification (germline): Benign/Likely benign. Review status: criteria provided, multiple submitters, no conflicts (2 of 4 stars). 6 submissions from 6 submitters: Benign (2); Likely benign (3). 1 of the submissions does not count toward it. Last evaluated 2026-01-08.

Conditions:
Tuberous sclerosis 2 (TSC2). Identifiers: Orphanet 805, MedGen C1860707, MONDO:0013199, OMIM 613254.
TSC2-related disorder. Also called: TSC2-related condition; TSC2-Related Disorders.

Allele frequency attached by ClinVar (database versions not stated): TOPMed below 0.00001; 1000 Genomes Project 0.00020; ExAC 0.00030; 1000 Genomes Project 30x 0.00031.
gnomAD v4.1: 232 of 1,606,008 alleles (0.014%); highest among the groups gnomAD compares: South Asian, 0.25%; 4 homozygotes.

Submissions (6):

Labcorp Genetics (formerly Invitae), Labcorp
Classification: Benign for Tuberous sclerosis 2. Last evaluated: 2026-01-08. Review status: criteria provided, single submitter. Criteria: Invitae Variant Classification Sherloc (09022015). Collection method: clinical testing. Allele origin: germline.

Myriad Genetics, Inc.
Classification: Benign for Tuberous sclerosis 2. Last evaluated: 2024-09-05. Review status: criteria provided, single submitter. Criteria: Myriad Autosomal Dominant, Autosomal Recessive and X-Linked Classification Criteria (2023). Collection method: clinical testing. Allele origin: unknown.
Comment: This variant is considered benign. This variant is intronic and is not expected to impact mRNA splicing. Homozygosity has been confirmed in one or more individuals. As homozygosity for pathogenic variants in this gene is generally assumed to result in embryonic lethality, this variant is unlikely to be pathogenic. This variant has been observed at a population frequency that is significantly greater than expected given the associated disease prevalence and penetrance.

Blueprint Genetics
Classification: Likely benign. Last evaluated: 2024-02-16. Review status: criteria provided, single submitter. Criteria: ACMG Guidelines, 2015. Collection method: clinical testing. Allele origin: germline.

ARUP Laboratories, Molecular Genetics and Genomics, ARUP Laboratories
Classification: Likely benign. Last evaluated: 2021-02-14. Review status: criteria provided, single submitter. Criteria: ARUP Molecular Germline Variant Investigation Process 2021. Collection method: clinical testing. Allele origin: germline.

GeneDx
Classification: Likely benign. Last evaluated: 2017-11-17. Review status: criteria provided, single submitter. Criteria: GeneDx Variant Classification (06012015). Collection method: clinical testing. Allele origin: germline. Affected: yes.
Comment: This variant is considered likely benign or benign based on one or more of the following criteria: it is a conservative change, it occurs at a poorly conserved position in the protein, it is predicted to be benign by multiple in silico algorithms, and/or has population frequency not consistent with disease.

PreventionGenetics, part of Exact Sciences
Classification: Likely benign for TSC2-related condition. Last evaluated: 2022-12-21. Review status: no assertion criteria provided. Collection method: clinical testing. Allele origin: germline. Not counted in ClinVar's aggregate classification.
Comment: This variant is classified as likely benign based on ACMG/AMP sequence variant interpretation guidelines (Richards et al. 2015 PMID: 25741868, with internal and published modifications).